The following is an entry in ClinVar:

ClinVar aggregate classification (germline): Likely benign (1 of 4 stars; one submission).

Allele frequency attached by ClinVar (database versions not stated): ExAC 0.00001; gnomAD exomes below 0.00001.
gnomAD v4.1: 1 of 1,613,058 alleles (0.000062%); highest among the groups gnomAD compares: Admixed American, 0.0017%; no homozygotes.

Submission:

Laboratory for Molecular Medicine, Mass General Brigham Personalized Medicine
Classification: Likely benign. Last evaluated: 2017-08-23. Review status: criteria provided, single submitter. Criteria: LMM Criteria. Collection method: clinical testing. Allele origin: germline. Observed: 1 variant allele.
Comment: p.Pro1166Pro in exon 2 of MYO15A: This variant is not expected to have clinical significance because it does not alter an amino acid residue and is not located within the splice consensus sequence. It has been identified in 1/11544 Latino chromosomes by the Exome Aggregation Consortium (ExAC; dbSNP rs747533694).

NM_016239.4(MYO15A):c.3498C>T (p.Pro1166=)

Gene: MYO15A (myosin XVA; plus strand). Cytogenetic location: 17p11.2.
Variant type: single nucleotide variant.
Coding change: c.3498C>T on transcript NM_016239.4 (MANE Select); coding-DNA position 3498, C replaced by T.
Protein change: p.Pro1166=; no amino-acid change (proline 1166 retained).
Molecular consequence: synonymous variant.
Genome position (GRCh38, 1-based): chr17:18,122,298, C>T. VCF-style: chr17-18122298-C-T. GRCh37 (hg19) VCF-style: chr17-18025612-C-T.
Identifiers: ClinVar variation 930047 (VCV000930047.4), dbSNP rs747533694, ClinGen allele CA8423475.